The following is an entry in ClinVar:

NM_006005.3(WFS1):c.2021G>A (p.Gly674Glu)

Gene: WFS1 (wolframin ER transmembrane glycoprotein; plus strand). Cytogenetic location: 4p16.1.
Variant type: single nucleotide variant.
Coding change: c.2021G>A on transcript NM_006005.3 (MANE Select); coding-DNA position 2021, G replaced by A.
Protein change: p.Gly674Glu; replaces glycine 674 with glutamic acid.
Molecular consequence: missense variant.
Genome position (GRCh38, 1-based): chr4:6,301,816, G>A. VCF-style: chr4-6301816-G-A. GRCh37 (hg19) VCF-style: chr4-6303543-G-A.
Other names: c.2021G>A, p.Gly674Glu (NM_001145853.1); short protein forms G674E.
Identifiers: ClinVar variation 2203527 (VCV002203527.5), dbSNP rs2474195676, ClinGen allele CA356177546.

ClinVar aggregate classification (germline): Pathogenic. Review status: criteria provided, multiple submitters, no conflicts (2 of 4 stars). 2 submissions from 2 submitters: Pathogenic (2). Last evaluated 2024-06-13.

Conditions:
Autosomal dominant nonsyndromic hearing loss 6 (LFSNHL). Also called: Autosomal dominant nonsyndromic deafness 6; DIDMOAD (Diabetes Insipidus, Diabetes Mellitus, Optic Atrophy, and Deafness); DEAFNESS, AUTOSOMAL DOMINANT 14; DEAFNESS, AUTOSOMAL DOMINANT 38; DEAFNESS, AUTOSOMAL DOMINANT 6. Identifiers: Orphanet 90635, MedGen C1833021, MONDO:0010963, OMIM 600965.

Submissions (2):

Laboratory of Prof. Karen Avraham, Tel Aviv University
Classification: Pathogenic for Autosomal dominant nonsyndromic hearing loss 6. Last evaluated: 2024-06-13. Review status: criteria provided, single submitter. Criteria: ACMG Guidelines, 2015. Collection method: research. Allele origin: germline. Affected: yes. Observed: 1 variant allele.
Comment: Pathogenic by Deafness Variation Databse and by ClinVar based on PMID: 12073007, 12707188

DFNA6; sloping to moderate HL

Labcorp Genetics (formerly Invitae), Labcorp
Classification: Pathogenic. Last evaluated: 2022-07-27. Review status: criteria provided, single submitter. Criteria: Invitae Variant Classification Sherloc (09022015). Collection method: clinical testing. Allele origin: germline.
Comment: This sequence change replaces glycine, which is neutral and non-polar, with glutamic acid, which is acidic and polar, at codon 674 of the WFS1 protein (p.Gly674Glu). For these reasons, this variant has been classified as Pathogenic. This variant disrupts the p.Gly674 amino acid residue in WFS1. Other variant(s) that disrupt this residue have been determined to be pathogenic (PMID: 12707188). This suggests that this residue is clinically significant, and that variants that disrupt this residue are likely to be disease-causing. Advanced modeling of protein sequence and biophysical properties (such as structural, functional, and spatial information, amino acid conservation, physicochemical variation, residue mobility, and thermodynamic stability) performed at Invitae indicates that this missense variant is expected to disrupt WFS1 protein function. This missense change has been observed in individual(s) with autosomal dominant low frequency deafness (PMID: 12073007, 12707188). It has also been observed to segregate with disease in related individuals. This variant is not present in population databases (gnomAD no frequency).

Literature cited by the submitters: PubMed 12707188 (cited by Labcorp Genetics (formerly Invitae), Labcorp); PubMed 12073007 (cited by Labcorp Genetics (formerly Invitae), Labcorp).